The following is an entry in ClinVar:

ClinVar aggregate classification (germline): Uncertain significance. Review status: criteria provided, multiple submitters, no conflicts (2 of 4 stars). 2 submissions from 2 submitters: Uncertain significance (2). Last evaluated 2026-06-05.

Conditions:
Autosomal recessive limb-girdle muscular dystrophy type 2A (LGMDR1). Also called: LEYDEN-MOEBIUS MUSCULAR DYSTROPHY; MUSCULAR DYSTROPHY, PELVOFEMORAL; Limb-girdle muscular dystrophy, type 2A; Calpainopathy; Muscular dystrophy, limb-girdle, type 2A, Amish. Identifiers: Orphanet 267, MedGen C1869123, MONDO:0009675, OMIM 253600. Disease mechanism: loss of function.

Submissions (2):

Myriad Genetics, Inc.
Classification: Uncertain significance for Autosomal recessive limb-girdle muscular dystrophy type 2A. Last evaluated: 2026-06-05. Review status: criteria provided, single submitter. Criteria: Myriad Autosomal Dominant, Autosomal Recessive and X-Linked Classification Criteria (2023). Collection method: clinical testing. Allele origin: unknown.
Comment: NM_000070.2(CAPN3):c.2302A>G(M768V) is a missense variant classified as a variant of uncertain significance in the context of calpainopathy. M768V has been observed in a case with relevant disease (PMID: 35239206). Relevant functional assessments of this variant are not available in the literature. M768V has not been observed in referenced population frequency databases. In summary, there is insufficient evidence to classify NM_000070.2(CAPN3):c.2302A>G(M768V) as pathogenic or benign. Please note: this variant was assessed in the context of healthy population screening.

Neuberg Centre For Genomic Medicine, NCGM
Classification: Uncertain significance for Autosomal recessive limb-girdle muscular dystrophy type 2A. Review status: criteria provided, single submitter. Criteria: ACMG Guidelines, 2015. Collection method: clinical testing. Allele origin: germline. Inheritance: Autosomal recessive inheritance. Affected: yes.
Comment: The missense variant in c.2302A>G (p.Met768Val) in CAPN3 gene has not been reported previously as a pathogenic variant nor as a benign variant, to our knowledge. The p.Met768Val variant is novel (not in any individuals) in gnomAD Exomes and 1000 Genomes. The amino acid Met at position 768 is changed to a Val changing protein sequence and it might alter its composition and physico-chemical properties. The variant is predicted to be damaging by PolyPhen2 and the residue is conserved across species. The amino acid change p.Met768Val in CAPN3 is predicted as conserved by GERP++ and PhyloP across 100 vertebrates. For these reasons, this variant has been classified as Uncertain Significance.

Literature cited by the submitters: PubMed 35239206 (cited by Myriad Genetics, Inc.).

NM_000070.3(CAPN3):c.2302A>G (p.Met768Val)

Gene: CAPN3 (calpain 3; plus strand). Cytogenetic location: 15q15.1.
Variant type: single nucleotide variant.
Coding change: c.2302A>G on transcript NM_000070.3 (MANE Select); coding-DNA position 2302, A replaced by G.
Protein change: p.Met768Val; replaces methionine 768 with valine.
Molecular consequence: missense variant.
Genome position (GRCh38, 1-based): chr15:42,410,922, A>G. VCF-style: chr15-42410922-A-G. GRCh37 (hg19) VCF-style: chr15-42703120-A-G.
Other names: c.307A>G, p.Met103Val (NM_173089.2, NM_173090.2); c.*1400A>G (NM_212464.2); c.*1977A>G (NM_212467.2); c.2284A>G, p.Met762Val (NM_024344.2); c.2026A>G, p.Met676Val (NM_173087.2); c.766A>G, p.Met256Val (NM_173088.2); short protein forms M103V, M676V, M768V, M256V, M762V.
Identifiers: ClinVar variation 2585368 (VCV002585368.2), dbSNP rs2548294398, ClinGen allele CA392002034.